The following is an entry in ClinVar:

ClinVar aggregate classification (germline): Uncertain significance (1 of 4 stars; one submission).

Submission:

Ambry Genetics
Classification: Uncertain significance. Last evaluated: 2022-09-10. Review status: criteria provided, single submitter. Criteria: Ambry Variant Classification Scheme 2023. Collection method: clinical testing. Allele origin: germline.
Comment: The p.G569R variant (also known as c.1705G>C), located in coding exon 11 of the POLQ gene, results from a G to C substitution at nucleotide position 1705. The glycine at codon 569 is replaced by arginine, an amino acid with dissimilar properties. This amino acid position is conserved. In addition, this alteration is predicted to be tolerated by in silico analysis. Since supporting evidence is limited at this time, the clinical significance of this alteration remains unclear.

NM_199420.4(POLQ):c.1705G>C (p.Gly569Arg)

Gene: POLQ (DNA polymerase theta; minus strand). Cytogenetic location: 3q13.33.
Variant type: single nucleotide variant.
Coding change: c.1705G>C on transcript NM_199420.4 (MANE Select); coding-DNA position 1705, G replaced by C.
Protein change: p.Gly569Arg; replaces glycine 569 with arginine.
Molecular consequence: missense variant.
Genome position (GRCh38, 1-based): chr3:121,510,150, C>G on the plus strand (G>C on the coding strand, the complement: POLQ is on the minus strand). VCF-style: chr3-121510150-C-G. GRCh37 (hg19) VCF-style: chr3-121228997-C-G.
Other names: short protein forms G569R.
Identifiers: ClinVar variation 1778435 (VCV001778435.2), dbSNP rs2546802637, ClinGen allele CA354114935.